The following is an entry in ClinVar:

NM_001378454.1(ALMS1):c.8140T>C (p.Ser2714Pro)

Gene: ALMS1 (ALMS1 centrosome and basal body associated protein; plus strand). Cytogenetic location: 2p13.1.
Variant type: single nucleotide variant.
Coding change: c.8140T>C on transcript NM_001378454.1 (MANE Select); coding-DNA position 8140, T replaced by C.
Protein change: p.Ser2714Pro; replaces serine 2714 with proline.
Molecular consequence: missense variant.
Genome position (GRCh38, 1-based): chr2:73,490,099, T>C. VCF-style: chr2-73490099-T-C. GRCh37 (hg19) VCF-style: chr2-73717226-T-C.
Other names: c.8143T>C, p.Ser2715Pro (NM_015120.4); short protein forms S2715P, S2714P.
Identifiers: ClinVar variation 1494471 (VCV001494471.7), dbSNP rs1245467740, ClinGen allele CA347267633.
Genomic context (GRCh38, chr2:73,490,099, plus strand): 5'-GTGGATTTTCATTCTTCATCACAAATGCCGTCCCCAGAACCCATGAAAAAGTTTACTACC[T>C]CCATCACTTTTTCATCTCACCGACATTCTAAATGCATTTCCAATTCCTCTGTTGTTAAGG-3'
Protein context (NP_001365383.1, residues 2704-2724): SPEPMKKFTT[Ser2714Pro]ITFSSHRHSK

ClinVar aggregate classification (germline): Uncertain significance. Review status: criteria provided, multiple submitters, no conflicts (2 of 4 stars). 2 submissions from 2 submitters: Uncertain significance (2). Last evaluated 2022-11-28.

Conditions:
Alstrom syndrome (ALMS). Identifiers: Orphanet 64, MedGen C0268425, MONDO:0008763, OMIM 203800.

Allele frequency attached by ClinVar (database versions not stated): gnomAD 0.00001.
gnomAD v4.1: 2 of 1,614,056 alleles (0.00012%); highest among the groups gnomAD compares: Admixed American, 0.0017%; no homozygotes.

Submissions (2):

Labcorp Genetics (formerly Invitae), Labcorp
Classification: Uncertain significance for Alstrom syndrome. Last evaluated: 2022-11-28. Review status: criteria provided, single submitter. Criteria: Invitae Variant Classification Sherloc (09022015). Collection method: clinical testing. Allele origin: germline.
Comment: This sequence change replaces serine with proline at codon 2715 of the ALMS1 protein (p.Ser2715Pro). The serine residue is highly conserved and there is a moderate physicochemical difference between serine and proline. This variant is present in population databases (no rsID available, gnomAD 0.007%). This variant has not been reported in the literature in individuals affected with ALMS1-related conditions. ClinVar contains an entry for this variant (Variation ID: 1494471). Experimental studies and prediction algorithms are not available or were not evaluated, and the functional significance of this variant is currently unknown. In summary, the available evidence is currently insufficient to determine the role of this variant in disease. Therefore, it has been classified as a Variant of Uncertain Significance.

Fulgent Genetics
Classification: Uncertain significance for Alstrom syndrome. Last evaluated: 2021-12-30. Review status: criteria provided, single submitter. Criteria: ACMG Guidelines, 2015. Collection method: clinical testing. Allele origin: unknown.